The following is an entry in ClinVar:

ClinVar aggregate classification (germline): Uncertain significance (1 of 4 stars; one submission).

Conditions:
Duchenne muscular dystrophy (DMD). Also called: MUSCULAR DYSTROPHY, PSEUDOHYPERTROPHIC PROGRESSIVE, DUCHENNE TYPE; Duchenne Muscular Dystrophy (DMD). Identifiers: Orphanet 98896, MedGen C0013264, MONDO:0010679, OMIM 310200.

Submission:

Labcorp Genetics (formerly Invitae), Labcorp
Classification: Uncertain significance for Duchenne muscular dystrophy. Last evaluated: 2023-09-05. Review status: criteria provided, single submitter. Criteria: Invitae Variant Classification Sherloc (09022015). Collection method: clinical testing. Allele origin: germline.
Comment: In summary, the available evidence is currently insufficient to determine the role of this variant in disease. Therefore, it has been classified as a Variant of Uncertain Significance. This sequence change replaces isoleucine, which is neutral and non-polar, with methionine, which is neutral and non-polar, at codon 3151 of the DMD protein (p.Ile3151Met). This variant is not present in population databases (gnomAD no frequency). This variant has not been reported in the literature in individuals affected with DMD-related conditions. Advanced modeling of protein sequence and biophysical properties (such as structural, functional, and spatial information, amino acid conservation, physicochemical variation, residue mobility, and thermodynamic stability) performed at Invitae indicates that this missense variant is not expected to disrupt DMD protein function.

NM_004006.3(DMD):c.9453T>G (p.Ile3151Met)

Gene: DMD (dystrophin; minus strand). Cytogenetic location: Xp21.2.
Variant type: single nucleotide variant.
Coding change: c.9453T>G on transcript NM_004006.3 (MANE Select); coding-DNA position 9453, T replaced by G.
Protein change: p.Ile3151Met; replaces isoleucine 3151 with methionine.
Molecular consequence: missense variant.
Genome position (GRCh38, 1-based): chrX:31,209,608, A>C on the plus strand (T>G on the coding strand, the complement: DMD is on the minus strand). VCF-style: chrX-31209608-A-C. GRCh37 (hg19) VCF-style: chrX-31227725-A-C.
Other names: c.9429T>G, p.Ile3143Met (NM_000109.4); c.9441T>G, p.Ile3147Met (NM_004009.3); c.9084T>G, p.Ile3028Met (NM_004010.3); c.5430T>G, p.Ile1810Met (NM_004011.4); c.5421T>G, p.Ile1807Met (NM_004012.4); c.2073T>G, p.Ile691Met (NM_004013.3, NM_004020.4, NM_004021.3 and 2 more transcripts); c.1266T>G, p.Ile422Met (NM_004014.3); c.249T>G, p.Ile83Met (NM_004015.3, NM_004016.3, NM_004017.3 and 2 more transcripts); short protein forms I3143M, I1807M, I3028M, I3151M, I691M, I1810M, I3147M, I422M.
Identifiers: ClinVar variation 2754890 (VCV002754890.3), dbSNP rs2148591961, ClinGen allele CA412649965.